The following is an entry in ClinVar:

ClinVar aggregate classification (germline): Uncertain significance (1 of 4 stars; one submission).

Submission:

GeneDx
Classification: Uncertain significance. Last evaluated: 2022-01-21. Review status: criteria provided, single submitter. Criteria: GeneDx Variant Classification Process June 2021. Collection method: clinical testing. Allele origin: germline. Affected: yes.
Comment: Not observed at significant frequency in large population cohorts (gnomAD); In silico analysis supports that this missense variant does not alter protein structure/function; Has not been previously published as pathogenic or benign to our knowledge

NM_007118.4(TRIO):c.7402C>G (p.Leu2468Val)

Gene: TRIO (trio Rho guanine nucleotide exchange factor; plus strand). Cytogenetic location: 5p15.2.
Variant type: single nucleotide variant.
Coding change: c.7402C>G on transcript NM_007118.4 (MANE Select); coding-DNA position 7402, C replaced by G.
Protein change: p.Leu2468Val; replaces leucine 2468 with valine.
Molecular consequence: missense variant.
Genome position (GRCh38, 1-based): chr5:14,488,030, C>G. VCF-style: chr5-14488030-C-G. GRCh37 (hg19) VCF-style: chr5-14488139-C-G.
Other names: short protein forms L2468V.
Identifiers: ClinVar variation 1698263 (VCV001698263.2), dbSNP rs1337219256, ClinGen allele CA359237391.